The following is an entry in ClinVar:

ClinVar aggregate classification (germline): Likely benign (0 of 4 stars; one submission).

Conditions:
CREBBP-related disorder. Also called: CREBBP-related condition; CREBBP-related disorders.

gnomAD v4.1: 3 of 1,614,180 alleles (0.00019%); highest among the groups gnomAD compares: South Asian, 0.0011%; no homozygotes.

Submission:

PreventionGenetics, part of Exact Sciences
Classification: Likely benign for CREBBP-related condition. Last evaluated: 2023-01-13. Review status: no assertion criteria provided. Collection method: clinical testing. Allele origin: germline.
Comment: This variant is classified as likely benign based on ACMG/AMP sequence variant interpretation guidelines (Richards et al. 2015 PMID: 25741868, with internal and published modifications).

NM_004380.3(CREBBP):c.7248C>T (p.Ser2416=)

Gene: CREBBP (CREB binding lysine acetyltransferase; minus strand). Cytogenetic location: 16p13.3.
Variant type: single nucleotide variant.
Coding change: c.7248C>T on transcript NM_004380.3 (MANE Select); coding-DNA position 7248, C replaced by T.
Protein change: p.Ser2416=; no amino-acid change (serine 2416 retained).
Molecular consequence: synonymous variant.
Genome position (GRCh38, 1-based): chr16:3,727,799, G>A on the plus strand (C>T on the coding strand, the complement: CREBBP is on the minus strand). VCF-style: chr16-3727799-G-A. GRCh37 (hg19) VCF-style: chr16-3777800-G-A.
Other names: c.7134C>T, p.Ser2378= (NM_001079846.1).
Identifiers: ClinVar variation 3356761 (VCV003356761.1).